The following is an entry in ClinVar:

ClinVar aggregate classification (germline): Uncertain significance (1 of 4 stars; one submission).

Conditions:
Intellectual disability, X-linked 102 (MRXSSB). Also called: Intellectual developmental disorder, X-linked syndromic, Snijders Blok type. Identifiers: Orphanet 457260, MedGen C5393299, MONDO:0010497, OMIM 300958.

Submission:

Laboratorio de Genetica e Diagnostico Molecular, Hospital Israelita Albert Einstein
Classification: Uncertain significance for Intellectual disability, X-linked 102. Last evaluated: 2026-03-23. Review status: criteria provided, single submitter. Criteria: ACMG Guidelines, 2015. Collection method: clinical testing. Allele origin: germline. Affected: yes.
Comment: ACMG classification criteria: PM2 supporting

NM_001356.5(DDX3X):c.657C>G (p.Asp219Glu)

Gene: DDX3X (DEAD-box helicase 3 X-linked; plus strand). Cytogenetic location: Xp11.4.
Variant type: single nucleotide variant.
Coding change: c.657C>G on transcript NM_001356.5 (MANE Select); coding-DNA position 657, C replaced by G.
Protein change: p.Asp219Glu; replaces aspartic acid 219 with glutamic acid.
Molecular consequence: missense variant. On other transcripts: non-coding transcript variant (1).
Genome position (GRCh38, 1-based): chrX:41,343,329, C>G. VCF-style: chrX-41343329-C-G. GRCh37 (hg19) VCF-style: chrX-41202582-C-G.
Other names: c.657C>G, p.Asp219Glu (NM_001193416.3); c.609C>G, p.Asp203Glu (NM_001193417.3); c.99C>G, p.Asp33Glu (NM_001363819.1); short protein forms D203E, D219E, D33E.
Identifiers: ClinVar variation 4846775 (VCV004846775.1).